The following is an entry in ClinVar:

NM_000266.4(NDP):c.80A>G (p.Asp27Gly)

Genes: NDP (norrin cystine knot growth factor NDP; minus strand), NDP-AS1 (NDP antisense RNA 1; plus strand). Cytogenetic location: Xp11.3.
Variant type: single nucleotide variant.
Coding change: c.80A>G on transcript NM_000266.4 (MANE Select); coding-DNA position 80, A replaced by G.
Protein change: p.Asp27Gly; replaces aspartic acid 27 with glycine.
Molecular consequence: missense variant.
Genome position (GRCh38, 1-based): chrX:43,958,566, T>C on the plus strand (A>G on the coding strand, the complement: NDP is on the minus strand). VCF-style: chrX-43958566-T-C. GRCh37 (hg19) VCF-style: chrX-43817812-T-C.
Other names: short protein forms D27G.
Identifiers: ClinVar variation 2990782 (VCV002990782.3), dbSNP rs2035808802, ClinGen allele CA413009157.
Genomic context (GRCh38, chrX:43,958,566, plus strand): 5'-GAATCCACATAGTGGTGCCTCATGCAGCGTCGAGGGTCCGAGTCCATTATGAATGAGCTG[T>C]CCGTTTTACTGTCTGTATCTCCCATTATCACCAGCAGGGAGAGCATAGAAAAGGATGCAG-3'
Protein context (NP_000257.1, residues 17-37): VIMGDTDSKT[Asp27Gly]SSFIMDSDPR

ClinVar aggregate classification (germline): Uncertain significance (1 of 4 stars; one submission).

Submission:

Labcorp Genetics (formerly Invitae), Labcorp
Classification: Uncertain significance. Last evaluated: 2025-12-01. Review status: criteria provided, single submitter. Criteria: Invitae Variant Classification Sherloc (09022015). Collection method: clinical testing. Allele origin: germline.
Comment: This sequence change replaces aspartic acid, which is acidic and polar, with glycine, which is neutral and non-polar, at codon 27 of the NDP protein (p.Asp27Gly). This variant is not present in population databases (gnomAD no frequency). This variant has not been reported in the literature in individuals affected with NDP-related conditions. ClinVar contains an entry for this variant (Variation ID: 2990782). Invitae Evidence Modeling of protein sequence and biophysical properties (such as structural, functional, and spatial information, amino acid conservation, physicochemical variation, residue mobility, and thermodynamic stability) has been performed for this missense variant. However, the output from this modeling did not meet the statistical confidence thresholds required to predict the impact of this variant on NDP protein function. In summary, the available evidence is currently insufficient to determine the role of this variant in disease. Therefore, it has been classified as a Variant of Uncertain Significance.